The following is an entry in ClinVar:

ClinVar aggregate classification (germline): Likely benign (1 of 4 stars; one submission).

Allele frequency attached by ClinVar (database versions not stated): TOPMed below 0.00001; gnomAD 0.00001; ExAC 0.00002.
gnomAD v4.1: 8 of 1,613,470 alleles (0.0005%); highest among the groups gnomAD compares: Admixed American, 0.0017%; no homozygotes.

Submission:

CeGaT Center for Human Genetics Tuebingen
Classification: Likely benign. Last evaluated: 2022-12-01. Review status: criteria provided, single submitter. Criteria: CeGaT Center For Human Genetics Tuebingen Variant Classification Criteria Version 2. Collection method: clinical testing. Allele origin: germline. Affected: yes. Observed: 1 variant allele.
Comment: CA2: BP4, BP7

NM_000067.3(CA2):c.708C>T (p.Pro236=)

Gene: CA2 (carbonic anhydrase 2; plus strand). Cytogenetic location: 8q21.2.
Variant type: single nucleotide variant.
Coding change: c.708C>T on transcript NM_000067.3 (MANE Select); coding-DNA position 708, C replaced by T.
Protein change: p.Pro236=; no amino-acid change (proline 236 retained).
Molecular consequence: synonymous variant.
Genome position (GRCh38, 1-based): chr8:85,480,714, C>T. VCF-style: chr8-85480714-C-T. GRCh37 (hg19) VCF-style: chr8-86392943-C-T.
Other names: c.405C>T, p.Pro135= (NM_001293675.2).
Identifiers: ClinVar variation 2658674 (VCV002658674.24), dbSNP rs756073599, ClinGen allele CA4796623.
Genomic context (GRCh38, chr8:85,480,714, plus strand): 5'-TTATTGTGTCTTTTAGGTGTTGAAATTCCGTAAACTTAACTTCAATGGGGAGGGTGAACC[C>T]GAAGAACTGATGGTGGACAACTGGCGCCCAGCTCAGCCACTGAAGAACAGGCAAATCAAA-3'
Protein context (NP_000058.1, residues 226-246): RKLNFNGEGE[Pro236=]EELMVDNWRP